The following is an entry in ClinVar:

NM_080424.4(SP110):c.1464C>T (p.Cys488=)

Gene: SP110 (SP110 nuclear body protein; minus strand). Cytogenetic location: 2q37.1.
Variant type: single nucleotide variant.
Coding change: c.1464C>T on transcript NM_080424.4 (MANE Select); coding-DNA position 1464, C replaced by T.
Protein change: p.Cys488=; no amino-acid change (cysteine 488 retained).
Molecular consequence: synonymous variant.
Genome position (GRCh38, 1-based): chr2:230,177,664, G>A on the plus strand (C>T on the coding strand, the complement: SP110 is on the minus strand). VCF-style: chr2-230177664-G-A. GRCh37 (hg19) VCF-style: chr2-231042380-G-A.
Other names: c.1482C>T, p.Cys494= (NM_001185015.2, NM_001378442.1, NM_001378444.1 and 2 more transcripts); c.1464C>T, p.Cys488= (NM_001378443.1, NM_004509.5, NM_004510.4); c.1314C>T, p.Cys438= (NM_001378447.1).
Identifiers: ClinVar variation 334903 (VCV000334903.30), dbSNP rs147355697, ClinGen allele CA2154484.

ClinVar aggregate classification (germline): Benign/Likely benign. Review status: criteria provided, multiple submitters, no conflicts (2 of 4 stars). 5 submissions from 5 submitters: Benign (1); Likely benign (2). 2 of the submissions do not count toward it. Last evaluated 2026-01-26.

Conditions:
Hepatic veno-occlusive disease-immunodeficiency syndrome. Also called: Hepatic Veno-Occlusive Disease with Immunodeficiency. Identifiers: Orphanet 79124, MedGen C1856128, MONDO:0009338, OMIM 235550. Disease mechanism: loss of function.

Allele frequency attached by ClinVar (database versions not stated): TOPMed 0.00036; ESP Exome Variant Server 0.00069; 1000 Genomes Project 30x 0.00078; 1000 Genomes Project 0.00100; gnomAD exomes 0.00206 and 0.00482; gnomAD 0.00379 and 0.00399; ExAC 0.00412.
gnomAD v4.1: 3,604 of 1,614,074 alleles (0.22%); highest among the groups gnomAD compares: Non-Finnish European, 0.042%; 69 homozygotes.

Submissions (5):

Labcorp Genetics (formerly Invitae), Labcorp
Classification: Benign for Hepatic veno-occlusive disease-immunodeficiency syndrome. Last evaluated: 2026-01-26. Review status: criteria provided, single submitter. Criteria: Invitae Variant Classification Sherloc (09022015). Collection method: clinical testing. Allele origin: germline.

CeGaT Center for Human Genetics Tuebingen
Classification: Likely benign. Last evaluated: 2024-11-01. Review status: criteria provided, single submitter. Criteria: CeGaT Center For Human Genetics Tuebingen Variant Classification Criteria Version 2. Collection method: clinical testing. Allele origin: germline. Affected: yes. Observed: 1 variant allele.
Comment: SP110: BP4, BP7

Illumina Laboratory Services, Illumina
Classification: Likely benign for Hepatic veno-occlusive disease-immunodeficiency syndrome. Last evaluated: 2018-01-12. Review status: criteria provided, single submitter. Criteria: ICSL Variant Classification Criteria 13 December 2019. Collection method: clinical testing. Allele origin: germline.
Comment: This variant was observed in the ICSL laboratory as part of a predisposition screen in an ostensibly healthy population. It had not been previously curated by ICSL or reported in the Human Gene Mutation Database (HGMD: prior to June 1st, 2018), and was therefore a candidate for classification through an automated scoring system. Utilizing variant allele frequency, disease prevalence and penetrance estimates, and inheritance mode, an automated score was calculated to assess if this variant is too frequent to cause the disease. Based on the score and internal cut-off values, a variant classified as likely benign is not then subjected to further curation. The score for this variant resulted in a classification of likely benign for this disease.

Clinical Genetics DNA and cytogenetics Diagnostics Lab, Erasmus MC, Erasmus Medical Center
Classification: Likely benign. Review status: no assertion criteria provided. Collection method: clinical testing. Allele origin: germline. Affected: yes. Study: VKGL Data-share Consensus. Not counted in ClinVar's aggregate classification.

Genome Diagnostics Laboratory, University Medical Center Utrecht
Classification: Likely benign. Review status: no assertion criteria provided. Collection method: clinical testing. Allele origin: germline. Affected: yes. Study: VKGL Data-share Consensus. Not counted in ClinVar's aggregate classification.